The following is an entry in ClinVar:

NM_000540.3(RYR1):c.5096A>G (p.Asp1699Gly)

Gene: RYR1 (ryanodine receptor 1; plus strand). Cytogenetic location: 19q13.2.
Variant type: single nucleotide variant.
Coding change: c.5096A>G on transcript NM_000540.3 (MANE Select); coding-DNA position 5096, A replaced by G.
Protein change: p.Asp1699Gly; replaces aspartic acid 1699 with glycine.
Molecular consequence: missense variant.
Genome position (GRCh38, 1-based): chr19:38,485,751, A>G. VCF-style: chr19-38485751-A-G. GRCh37 (hg19) VCF-style: chr19-38976391-A-G.
Other names: c.5096A>G, p.Asp1699Gly (NM_001042723.2); short protein forms D1699G.
Identifiers: ClinVar variation 2811490 (VCV002811490.3), dbSNP rs939377990, ClinGen allele CA405653750.

ClinVar aggregate classification (germline): Uncertain significance (1 of 4 stars; one submission).

Conditions:
RYR1-related disorder. Also called: RYR1-related condition; RYR1-related disorders. Identifiers: MedGen CN239331.

Allele frequency attached by ClinVar (database versions not stated): gnomAD 0.00001.

Submission:

Labcorp Genetics (formerly Invitae), Labcorp
Classification: Uncertain significance for RYR1-related disorder. Last evaluated: 2025-06-12. Review status: criteria provided, single submitter. Criteria: Invitae Variant Classification Sherloc (09022015). Collection method: clinical testing. Allele origin: germline.
Comment: This sequence change replaces aspartic acid, which is acidic and polar, with glycine, which is neutral and non-polar, at codon 1699 of the RYR1 protein (p.Asp1699Gly). This variant is not present in population databases (gnomAD no frequency). This missense change has been observed in individual(s) with clinical features of autosomal recessive RYR1-related conditions (internal data). In at least one individual the data is consistent with being in trans (on the opposite chromosome) from a pathogenic variant. ClinVar contains an entry for this variant (Variation ID: 2811490). Invitae Evidence Modeling of protein sequence and biophysical properties (such as structural, functional, and spatial information, amino acid conservation, physicochemical variation, residue mobility, and thermodynamic stability) indicates that this missense variant is not expected to disrupt RYR1 protein function with a negative predictive value of 80%. In summary, the available evidence is currently insufficient to determine the role of this variant in disease. Therefore, it has been classified as a Variant of Uncertain Significance.